The following is an entry in ClinVar:

NM_001943.5(DSG2):c.1321G>T (p.Asp441Tyr)

Gene: DSG2 (desmoglein 2; plus strand). Cytogenetic location: 18q12.1.
Variant type: single nucleotide variant.
Coding change: c.1321G>T on transcript NM_001943.5 (MANE Select); coding-DNA position 1321, G replaced by T.
Protein change: p.Asp441Tyr; replaces aspartic acid 441 with tyrosine.
Molecular consequence: missense variant.
Genome position (GRCh38, 1-based): chr18:31,535,310, G>T. VCF-style: chr18-31535310-G-T. GRCh37 (hg19) VCF-style: chr18-29115273-G-T.
Other names: short protein forms D441Y.
Identifiers: ClinVar variation 2563310 (VCV002563310.2), dbSNP rs982214772, ClinGen allele CA297740414.

ClinVar aggregate classification (germline): Uncertain significance (1 of 4 stars; one submission).

Conditions:
Cardiovascular phenotype. Identifiers: MedGen CN230736.

Allele frequency attached by ClinVar (database versions not stated): gnomAD exomes below 0.00001; TOPMed below 0.00001; gnomAD 0.00001.
gnomAD v4.1: 2 of 1,597,736 alleles (0.00013%); highest among the groups gnomAD compares: African/African-American, 0.0013%; no homozygotes.

Submission:

Ambry Genetics
Classification: Uncertain significance for Cardiovascular phenotype. Last evaluated: 2023-05-15. Review status: criteria provided, single submitter. Criteria: Ambry Variant Classification Scheme 2023. Collection method: clinical testing. Allele origin: germline.
Comment: The p.D441Y variant (also known as c.1321G>T), located in coding exon 10 of the DSG2 gene, results from a G to T substitution at nucleotide position 1321. The aspartic acid at codon 441 is replaced by tyrosine, an amino acid with highly dissimilar properties. This amino acid position is conserved. In addition, this alteration is predicted to be deleterious by in silico analysis. Since supporting evidence is limited at this time, the clinical significance of this alteration remains unclear.